The following is an entry in ClinVar:

NM_172107.4(KCNQ2):c.2333A>T (p.Glu778Val)

Gene: KCNQ2 (potassium voltage-gated channel subfamily Q member 2; minus strand). Cytogenetic location: 20q13.33.
Variant type: single nucleotide variant.
Coding change: c.2333A>T on transcript NM_172107.4 (MANE Select); coding-DNA position 2333, A replaced by T.
Protein change: p.Glu778Val; replaces glutamic acid 778 with valine.
Molecular consequence: missense variant.
Genome position (GRCh38, 1-based): chr20:63,406,930, T>A on the plus strand (A>T on the coding strand, the complement: KCNQ2 is on the minus strand). VCF-style: chr20-63406930-T-A. GRCh37 (hg19) VCF-style: chr20-62038283-T-A.
Other names: c.2387A>T, p.Glu796Val (NM_001382235.1); c.2249A>T, p.Glu750Val (NM_004518.6); c.2279A>T, p.Glu760Val (NM_172106.3); c.2240A>T, p.Glu747Val (NM_172108.5); short protein forms E750V, E747V, E778V, E796V, E760V.
Identifiers: ClinVar variation 3702751 (VCV003702751.2).

ClinVar aggregate classification (germline): Uncertain significance (1 of 4 stars; one submission).

Conditions:
Early-infantile DEE. Also called: Early infantile epileptic encephalopathy with suppression bursts; Early infantile epileptic encephalopathy; Ohtahara syndrome. Identifiers: Orphanet 1934, MedGen C0393706, MONDO:0800491.

gnomAD v4.1: 3 of 1,601,126 alleles (0.00019%); highest among the groups gnomAD compares: Non-Finnish European, 0.00026%; no homozygotes.

Submission:

Labcorp Genetics (formerly Invitae), Labcorp
Classification: Uncertain significance for Early-infantile DEE. Last evaluated: 2024-10-07. Review status: criteria provided, single submitter. Criteria: Invitae Variant Classification Sherloc (09022015). Collection method: clinical testing. Allele origin: germline.
Comment: This sequence change replaces glutamic acid, which is acidic and polar, with valine, which is neutral and non-polar, at codon 778 of the KCNQ2 protein (p.Glu778Val). The frequency data for this variant in the population databases is considered unreliable, as metrics indicate poor data quality at this position in the gnomAD database. This variant has not been reported in the literature in individuals affected with KCNQ2-related conditions. Invitae Evidence Modeling of protein sequence and biophysical properties (such as structural, functional, and spatial information, amino acid conservation, physicochemical variation, residue mobility, and thermodynamic stability) has been performed for this missense variant. However, the output from this modeling did not meet the statistical confidence thresholds required to predict the impact of this variant on KCNQ2 protein function. In summary, the available evidence is currently insufficient to determine the role of this variant in disease. Therefore, it has been classified as a Variant of Uncertain Significance.